The following is an entry in ClinVar:

NM_003612.5(SEMA7A):c.1044C>T (p.Thr348=)

Gene: SEMA7A (semaphorin 7A (JohnMiltonHagen blood group); minus strand). Cytogenetic location: 15q24.1.
Variant type: single nucleotide variant.
Coding change: c.1044C>T on transcript NM_003612.5 (MANE Select); coding-DNA position 1044, C replaced by T.
Protein change: p.Thr348=; no amino-acid change (threonine 348 retained).
Molecular consequence: synonymous variant.
Genome position (GRCh38, 1-based): chr15:74,414,889, G>A on the plus strand (C>T on the coding strand, the complement: SEMA7A is on the minus strand). VCF-style: chr15-74414889-G-A. GRCh37 (hg19) VCF-style: chr15-74707230-G-A.
Other names: c.1002C>T, p.Thr334= (NM_001146029.3); c.549C>T, p.Thr183= (NM_001146030.3).
Identifiers: ClinVar variation 4988936 (VCV004988936.1).

ClinVar aggregate classification (germline): Likely benign (1 of 4 stars; one submission).

Conditions:
SEMA7A-related disorder. Also called: SEMA7A-related condition.

gnomAD v4.1: 2,743 of 1,614,168 alleles (0.17%); highest among the groups gnomAD compares: Admixed American, 0.21%; 4 homozygotes.

Submission:

PreventionGenetics, part of Exact Sciences
Classification: Likely benign for SEMA7A-related condition. Last evaluated: 2025-12-30. Review status: criteria provided, single submitter. Criteria: ACMG Guidelines, 2015. Collection method: clinical testing. Allele origin: germline.
Comment: This variant is classified as likely benign based on ACMG/AMP sequence variant interpretation guidelines (Richards et al. 2015 PMID: 25741868, with internal and published modifications).